The following is an entry in ClinVar:

NM_000216.4(ANOS1):c.1998G>C (p.Lys666Asn)

Gene: ANOS1 (anosmin 1; minus strand). Cytogenetic location: Xp22.31.
Variant type: single nucleotide variant.
Coding change: c.1998G>C on transcript NM_000216.4 (MANE Select); coding-DNA position 1998, G replaced by C.
Protein change: p.Lys666Asn; replaces lysine 666 with asparagine.
Molecular consequence: missense variant.
Genome position (GRCh38, 1-based): chrX:8,533,040, C>G on the plus strand (G>C on the coding strand, the complement: ANOS1 is on the minus strand). VCF-style: chrX-8533040-C-G. GRCh37 (hg19) VCF-style: chrX-8501081-C-G.
Other names: short protein forms K666N.
Identifiers: ClinVar variation 4718001 (VCV004718001.1).

ClinVar aggregate classification (germline): Uncertain significance (1 of 4 stars; one submission).

Conditions:
Hypogonadotropic hypogonadism 1 with or without anosmia (HH1). Also called: Kallmann syndrome, type 1, X-linked; DYSPLASIA OLFACTOGENITALIS OF DE MORSIER; HYPOGONADOTROPIC HYPOGONADISM 1 WITH ANOSMIA; KAL1-Related GnRH Deficiency (Kallmann Syndrome 1; Kallmann Syndrome, X-Linked); Hypogonadotropic hypogonadism 1 with or without anosmia (Kallmann syndrome 1); HYPOGONADOTROPIC HYPOGONADISM AND ANOSMIA. Identifiers: Orphanet 478, MedGen C1563719, MONDO:0010635, OMIM 308700. Disease mechanism: loss of function.

gnomAD v4.1: 1 of 1,148,095 alleles (0.000087%); no homozygotes.

Submission:

Labcorp Genetics (formerly Invitae), Labcorp
Classification: Uncertain significance for Hypogonadotropic hypogonadism 1 with or without anosmia. Last evaluated: 2025-03-22. Review status: criteria provided, single submitter. Criteria: Invitae Variant Classification Sherloc (09022015). Collection method: clinical testing. Allele origin: germline.
Comment: This sequence change replaces lysine, which is basic and polar, with asparagine, which is neutral and polar, at codon 666 of the ANOS1 protein (p.Lys666Asn). This variant is not present in population databases (gnomAD no frequency). This variant has not been reported in the literature in individuals affected with ANOS1-related conditions. An algorithm developed to predict the effect of missense changes on protein structure and function (PolyPhen-2) suggests that this variant is likely to be disruptive. In summary, the available evidence is currently insufficient to determine the role of this variant in disease. Therefore, it has been classified as a Variant of Uncertain Significance.